The following is an entry in ClinVar:

NM_000428.3(LTBP2):c.1999A>C (p.Ile667Leu)

Gene: LTBP2 (latent transforming growth factor beta binding protein 2; minus strand). Cytogenetic location: 14q24.3.
Variant type: single nucleotide variant.
Coding change: c.1999A>C on transcript NM_000428.3 (MANE Select); coding-DNA position 1999, A replaced by C.
Protein change: p.Ile667Leu; replaces isoleucine 667 with leucine.
Molecular consequence: missense variant.
Genome position (GRCh38, 1-based): chr14:74,529,111, T>G on the plus strand (A>C on the coding strand, the complement: LTBP2 is on the minus strand). VCF-style: chr14-74529111-T-G. GRCh37 (hg19) VCF-style: chr14-74995814-T-G.
Other names: short protein forms I667L.
Identifiers: ClinVar variation 126953 (VCV000126953.4), dbSNP rs137854859, ClinGen allele CA151339.

ClinVar aggregate classification (germline): Uncertain significance. Review status: criteria provided, single submitter (1 of 4 stars). 2 submissions from 2 submitters: Uncertain significance (1). 1 of the submissions does not count toward it. Last evaluated 2025-01-16.

Conditions:
Exfoliation syndrome (XFS). Also called: PSEUDOEXFOLIATION OF THE LENS; PSEUDOEXFOLIATION SYNDROME. Identifiers: MedGen C0206368, MONDO:0008327, OMIM 177650.

Submissions (2):

Labcorp Genetics (formerly Invitae), Labcorp
Classification: Uncertain significance. Last evaluated: 2025-01-16. Review status: criteria provided, single submitter. Criteria: Invitae Variant Classification Sherloc (09022015). Collection method: clinical testing. Allele origin: germline.
Comment: This sequence change replaces isoleucine, which is neutral and non-polar, with leucine, which is neutral and non-polar, at codon 667 of the LTBP2 protein (p.Ile667Leu). This variant is not present in population databases (gnomAD no frequency). This missense change has been observed in individual(s) with clinical features of pseudoexfoliation syndrome (PMID: 23401661). ClinVar contains an entry for this variant (Variation ID: 126953). An algorithm developed to predict the effect of missense changes on protein structure and function (PolyPhen-2) suggests that this variant is likely to be tolerated. In summary, the available evidence is currently insufficient to determine the role of this variant in disease. Therefore, it has been classified as a Variant of Uncertain Significance.

Elahi Laboratory, University of Tehran
Classification: Likely pathogenic for Pseudoexfoliation glaucoma. Review status: no assertion criteria provided. Collection method: not provided. Allele origin: unknown. Not counted in ClinVar's aggregate classification.
ClinVar note: Converted during submission from probable-pathogenic to Likely pathogenic.

Literature cited by the submitters: PubMed 23401661 (cited by Labcorp Genetics (formerly Invitae), Labcorp).